The following is an entry in ClinVar:

NM_003482.4(KMT2D):c.15976C>T (p.Leu5326Phe)

Gene: KMT2D (lysine methyltransferase 2D; minus strand). Cytogenetic location: 12q13.12.
Variant type: single nucleotide variant.
Coding change: c.15976C>T on transcript NM_003482.4 (MANE Select); coding-DNA position 15976, C replaced by T.
Protein change: p.Leu5326Phe; replaces leucine 5326 with phenylalanine.
Molecular consequence: missense variant.
Genome position (GRCh38, 1-based): chr12:49,024,654, G>A on the plus strand (C>T on the coding strand, the complement: KMT2D is on the minus strand). VCF-style: chr12-49024654-G-A. GRCh37 (hg19) VCF-style: chr12-49418437-G-A.
Other names: short protein forms L5326F.
Identifiers: ClinVar variation 1801096 (VCV001801096.1), dbSNP rs1942486258, ClinGen allele CA384681648.

ClinVar aggregate classification (germline): Uncertain significance (1 of 4 stars; one submission).

Allele frequency attached by ClinVar (database versions not stated): gnomAD exomes below 0.00001.
gnomAD v4.1: 3 of 1,613,896 alleles (0.00019%); highest among the groups gnomAD compares: Non-Finnish European, 0.00025%; no homozygotes.

Submission:

GeneDx
Classification: Uncertain significance. Last evaluated: 2022-05-23. Review status: criteria provided, single submitter. Criteria: GeneDx Variant Classification Process June 2021. Collection method: clinical testing. Allele origin: germline. Affected: yes.
Comment: Not observed at significant frequency in large population cohorts (gnomAD); In silico analysis supports that this missense variant has a deleterious effect on protein structure/function; Has not been previously published as pathogenic or benign to our knowledge